The following is an entry in ClinVar:

NM_001365088.1(SLC12A6):c.1592-12_1592-11del

Gene: SLC12A6 (solute carrier family 12 member 6; minus strand). Cytogenetic location: 15q14.
Variant type: Microsatellite.
Coding change: c.1592-12_1592-11del on transcript NM_001365088.1 (MANE Select); 12 bases into the intron before coding-DNA position 1592 through 11 bases into the intron before coding-DNA position 1592, 2 bases deleted (TC; older notation c.1592-12_1592-11delTC).
Molecular consequence: intron variant.
Genome position (GRCh38, 1-based): chr15:34,250,366-34,250,367, GA deleted on the plus strand (TC on the coding strand, the reverse complement: SLC12A6 is on the minus strand); deleting any 2 consecutive bases within chr15:34,250,366-34,250,370 gives the same sequence; the c. name uses the placement nearest the transcript's 3' end. VCF-style (leftmost placement, unchanged base first): chr15-34250365-TGA-T. GRCh37 (hg19) VCF-style: chr15-34542566-TGA-T.
Other names: c.1592-12_1592-11delTC (NM_133647.1); c.1415-12_1415-11del (NM_001042495.2, NM_001042494.2); c.1565-12_1565-11del (NM_001042496.2); c.1547-12_1547-11del (NM_001042497.2); c.1592-12_1592-11del (NM_133647.2); c.1439-12_1439-11del (NM_005135.2).
Identifiers: ClinVar variation 420193 (VCV000420193.4), dbSNP rs773962735, ClinGen allele CA7464267.

ClinVar aggregate classification (germline): Likely benign. Review status: criteria provided, multiple submitters, no conflicts (2 of 4 stars). 2 submissions from 2 submitters: Likely benign (2). Last evaluated 2023-12-20.

Submissions (2):

Labcorp Genetics (formerly Invitae), Labcorp
Classification: Likely benign. Last evaluated: 2023-12-20. Review status: criteria provided, single submitter. Criteria: Invitae Variant Classification Sherloc (09022015). Collection method: clinical testing. Allele origin: germline.

GeneDx
Classification: Likely benign. Last evaluated: 2015-12-01. Review status: criteria provided, single submitter. Criteria: GeneDx Variant Classification (06012015). Collection method: clinical testing. Allele origin: germline. Affected: yes.
Comment: This variant is considered likely benign or benign based on one or more of the following criteria: it is a conservative change, it occurs at a poorly conserved position in the protein, it is predicted to be benign by multiple in silico algorithms, and/or has population frequency not consistent with disease.